The following is an entry in ClinVar:

ClinVar aggregate classification (germline): Uncertain significance. Review status: criteria provided, multiple submitters, no conflicts (2 of 4 stars). 3 submissions from 3 submitters: Uncertain significance (3). Last evaluated 2026-03-05.

Conditions:
Bardet-Biedl syndrome 16 (BBS16). Identifiers: Orphanet 110, MedGen C3889474, MONDO:0014444, OMIM 615993.
Senior-Loken syndrome 7 (SLSN7). Identifiers: Orphanet 3156, MedGen C3150877, MONDO:0013326, OMIM 613615.
Inborn genetic diseases. Identifiers: MedGen C0950123, MeSH D030342.
SDCCAG8-related disorder. Also called: SDCCAG8-related condition; SDCCAG8-Related Disorders.

Allele frequency attached by ClinVar (database versions not stated): gnomAD exomes 0.00001 and 0.00002; ExAC 0.00002; TOPMed 0.00002; gnomAD 0.00003; ESP Exome Variant Server 0.00023.
gnomAD v4.1: 22 of 1,613,812 alleles (0.0014%); highest among the groups gnomAD compares: African/African-American, 0.0027%; no homozygotes.

Submissions (3):

PreventionGenetics, part of Exact Sciences
Classification: Uncertain significance for SDCCAG8-related condition. Last evaluated: 2026-03-05. Review status: criteria provided, single submitter. Criteria: ACMG Guidelines, 2015. Collection method: clinical testing. Allele origin: germline.
Comment: The SDCCAG8 c.1945T>C variant is predicted to result in the amino acid substitution p.Cys649Arg. To our knowledge, this variant has not been reported in the literature. This variant is reported in 0.0080% of alleles in individuals of African descent in gnomAD. At this time, the clinical significance of this variant is uncertain due to the absence of conclusive functional and genetic evidence.

Labcorp Genetics (formerly Invitae), Labcorp
Classification: Uncertain significance for Bardet-Biedl syndrome 16; Senior-Loken syndrome 7. Last evaluated: 2024-11-11. Review status: criteria provided, single submitter. Criteria: Invitae Variant Classification Sherloc (09022015). Collection method: clinical testing. Allele origin: germline.
Comment: This sequence change replaces cysteine, which is neutral and slightly polar, with arginine, which is basic and polar, at codon 649 of the SDCCAG8 protein (p.Cys649Arg). This variant is present in population databases (rs371805116, gnomAD 0.008%). This variant has not been reported in the literature in individuals affected with SDCCAG8-related conditions. ClinVar contains an entry for this variant (Variation ID: 1501442). Invitae Evidence Modeling of protein sequence and biophysical properties (such as structural, functional, and spatial information, amino acid conservation, physicochemical variation, residue mobility, and thermodynamic stability) indicates that this missense variant is expected to disrupt SDCCAG8 protein function with a positive predictive value of 80%. In summary, the available evidence is currently insufficient to determine the role of this variant in disease. Therefore, it has been classified as a Variant of Uncertain Significance.

Ambry Genetics
Classification: Uncertain significance for Inborn genetic diseases. Last evaluated: 2023-08-10. Review status: criteria provided, single submitter. Criteria: Ambry Variant Classification Scheme 2023. Collection method: clinical testing. Allele origin: germline.

NM_006642.5(SDCCAG8):c.1945T>C (p.Cys649Arg)

Gene: SDCCAG8 (SHH signaling and ciliogenesis regulator SDCCAG8; plus strand). Cytogenetic location: 1q43.
Variant type: single nucleotide variant.
Coding change: c.1945T>C on transcript NM_006642.5 (MANE Select); coding-DNA position 1945, T replaced by C.
Protein change: p.Cys649Arg; replaces cysteine 649 with arginine.
Molecular consequence: missense variant.
Genome position (GRCh38, 1-based): chr1:243,426,518, T>C. VCF-style: chr1-243426518-T-C. GRCh37 (hg19) VCF-style: chr1-243589820-T-C.
Other names: c.1042T>C, p.Cys348Arg (NM_001350246.2, NM_001350247.2, NM_001350251.2); c.2041T>C, p.Cys681Arg (NM_001350248.2); c.1651T>C, p.Cys551Arg (NM_001350249.2); c.1945T>C (NM_006642.3); short protein forms C348R, C551R, C681R, C649R.
Identifiers: ClinVar variation 1501442 (VCV001501442.7), dbSNP rs371805116, ClinGen allele CA1483782.